The following is an entry in ClinVar:

ClinVar aggregate classification (germline): Pathogenic. Review status: criteria provided, multiple submitters, no conflicts (2 of 4 stars). 3 submissions from 3 submitters: Pathogenic (2). 1 of the submissions does not count toward it. Last evaluated 2024-07-05.

Conditions:
TCF12-related craniosynostosis. Also called: Craniosynostosis 3. Identifiers: Orphanet 35098, Orphanet 35099, Orphanet 672979, MedGen C3715051, MONDO:0014128, OMIM 615314.

Allele frequency attached by ClinVar (database versions not stated): TOPMed below 0.00001.

Submissions (3):

Labcorp Genetics (formerly Invitae), Labcorp
Classification: Pathogenic. Last evaluated: 2024-07-05. Review status: criteria provided, single submitter. Criteria: Invitae Variant Classification Sherloc (09022015). Collection method: clinical testing. Allele origin: germline.
Comment: This sequence change creates a premature translational stop signal (p.Ser281*) in the TCF12 gene. It is expected to result in an absent or disrupted protein product. Loss-of-function variants in TCF12 are known to be pathogenic (PMID: 23354436, 32620954). This variant is not present in population databases (gnomAD no frequency). This premature translational stop signal has been observed in individual(s) with clinical features of TCF12-related conditions (PMID: 23354436, 25271085). In at least one individual the variant was observed to be de novo. ClinVar contains an entry for this variant (Variation ID: 55911). For these reasons, this variant has been classified as Pathogenic.

GeneDx
Classification: Pathogenic. Last evaluated: 2022-01-31. Review status: criteria provided, single submitter. Criteria: GeneDx Variant Classification Process June 2021. Collection method: clinical testing. Allele origin: germline. Affected: yes.
Comment: Nonsense variant predicted to result in protein truncation or nonsense mediated decay in a gene for which loss-of-function is a known mechanism of disease; Not observed at significant frequency in large population cohorts (gnomAD); This variant is associated with the following publications: (PMID: 25271085, 23354436)

OMIM
Classification: Pathogenic for CRANIOSYNOSTOSIS 3. Last evaluated: 2013-03-01. Review status: no assertion criteria provided. Collection method: literature only. Allele origin: germline. Not counted in ClinVar's aggregate classification.

Literature cited by the submitters: PubMed 23354436 (cited by Labcorp Genetics (formerly Invitae), Labcorp and OMIM); PubMed 32620954 (cited by Labcorp Genetics (formerly Invitae), Labcorp); PubMed 25271085 (cited by Labcorp Genetics (formerly Invitae), Labcorp and OMIM).

NM_207037.2(TCF12):c.842C>G (p.Ser281Ter)

Gene: TCF12 (transcription factor 12; plus strand). Cytogenetic location: 15q21.3.
Variant type: single nucleotide variant.
Coding change: c.842C>G on transcript NM_207037.2 (MANE Select); coding-DNA position 842, C replaced by G.
Protein change: p.Ser281Ter; replaces serine 281 with a stop codon.
Molecular consequence: nonsense.
Genome position (GRCh38, 1-based): chr15:57,232,728, C>G. VCF-style: chr15-57232728-C-G. GRCh37 (hg19) VCF-style: chr15-57524926-C-G.
Other names: c.332C>G, p.Ser111Ter (NM_001306219.3, NM_207040.2); c.134C>G, p.Ser45Ter (NM_001306220.3); c.842C>G, p.Ser281Ter (NM_001322151.2, NM_001322152.2, NM_001322157.3 and 7 more transcripts); c.185C>G, p.Ser62Ter (NM_001322154.2); c.668C>G, p.Ser223Ter (NM_001322156.2, NM_001322158.2); c.878C>G, p.Ser293Ter (NM_001322164.2); short protein forms S281*, S111*, S293*, S45*, S223*, S62*.
Identifiers: ClinVar variation 55911 (VCV000055911.8), dbSNP rs886037636, ClinGen allele CA10575584.